The following is an entry in ClinVar:

ClinVar aggregate classification (germline): Uncertain significance. Review status: criteria provided, multiple submitters, no conflicts (2 of 4 stars). 4 submissions from 4 submitters: Uncertain significance (4). Last evaluated 2023-11-23.

Conditions:
Lymphangiomyomatosis (LAM). Also called: Lymphangioleiomyomatosis; Lymphangioleiomyomatosis, somatic. Identifiers: Orphanet 538, MedGen C0751674, MONDO:0011705, OMIM 606690.
Tuberous sclerosis 2 (TSC2). Identifiers: Orphanet 805, MedGen C1860707, MONDO:0013199, OMIM 613254.
Isolated focal cortical dysplasia type II (FCORD2). Also called: Focal cortical dysplasia type II; CORTICAL DYSPLASIA OF TAYLOR. Identifiers: Orphanet 268994, MedGen C1846385, MONDO:0011818, OMIM 607341, HP:0032051.
Hereditary cancer-predisposing syndrome. Also called: Neoplastic Syndromes, Hereditary; Tumor predisposition; Hereditary neoplastic syndrome; Hereditary Cancer Syndrome. Identifiers: Orphanet 140162, MedGen C0027672, MeSH D009386, MONDO:0015356.

Submissions (4):

Ambry Genetics
Classification: Uncertain significance for Hereditary cancer-predisposing syndrome. Last evaluated: 2023-11-23. Review status: criteria provided, single submitter. Criteria: Ambry Variant Classification Scheme 2023. Collection method: clinical testing. Allele origin: germline.
Comment: The p.G661D variant (also known as c.1982G>A), located in coding exon 18 of the TSC2 gene, results from a G to A substitution at nucleotide position 1982. The glycine at codon 661 is replaced by aspartic acid, an amino acid with similar properties. This amino acid position is conserved. In addition, the in silico prediction for this alteration is inconclusive. Since supporting evidence is limited at this time, the clinical significance of this alteration remains unclear.

Blueprint Genetics
Classification: Uncertain significance. Last evaluated: 2022-09-29. Review status: criteria provided, single submitter. Criteria: ACMG Guidelines, 2015. Collection method: clinical testing. Allele origin: germline.

Fulgent Genetics
Classification: Uncertain significance for Lymphangiomyomatosis; Isolated focal cortical dysplasia type II; Tuberous sclerosis 2. Last evaluated: 2022-01-07. Review status: criteria provided, single submitter. Criteria: ACMG Guidelines, 2015. Collection method: clinical testing. Allele origin: unknown.

Labcorp Genetics (formerly Invitae), Labcorp
Classification: Uncertain significance for Tuberous sclerosis 2. Last evaluated: 2021-08-27. Review status: criteria provided, single submitter. Criteria: Invitae Variant Classification Sherloc (09022015). Collection method: clinical testing. Allele origin: germline.
Comment: In summary, the available evidence is currently insufficient to determine the role of this variant in disease. Therefore, it has been classified as a Variant of Uncertain Significance. Advanced modeling of protein sequence and biophysical properties (such as structural, functional, and spatial information, amino acid conservation, physicochemical variation, residue mobility, and thermodynamic stability) performed at Invitae indicates that this missense variant is not expected to disrupt TSC2 protein function. ClinVar contains an entry for this variant (Variation ID: 953480). This variant has not been reported in the literature in individuals affected with TSC2-related conditions. This variant is not present in population databases (ExAC no frequency). This sequence change replaces glycine with aspartic acid at codon 661 of the TSC2 protein (p.Gly661Asp). The glycine residue is highly conserved and there is a moderate physicochemical difference between glycine and aspartic acid.

NM_000548.5(TSC2):c.1982G>A (p.Gly661Asp)

Gene: TSC2 (TSC complex subunit 2; plus strand). Cytogenetic location: 16p13.3.
Variant type: single nucleotide variant.
Coding change: c.1982G>A on transcript NM_000548.5 (MANE Select); coding-DNA position 1982, G replaced by A.
Protein change: p.Gly661Asp; replaces glycine 661 with aspartic acid.
Molecular consequence: missense variant.
Genome position (GRCh38, 1-based): chr16:2,071,819, G>A. VCF-style: chr16-2071819-G-A. GRCh37 (hg19) VCF-style: chr16-2121820-G-A.
Other names: c.1982G>A, p.Gly661Asp (NM_001077183.3, NM_001114382.3, NM_001363528.2 and 3 more transcripts); c.1871G>A, p.Gly624Asp (NM_001318827.2); c.1835G>A, p.Gly612Asp (NM_001318829.2); c.1382G>A, p.Gly461Asp (NM_001318831.2); c.2015G>A, p.Gly672Asp (NM_001318832.2); short protein forms G661D, G624D, G612D, G461D, G672D.
Identifiers: ClinVar variation 953480 (VCV000953480.13), dbSNP rs1213719461, ClinGen allele CA394274381.